The following is an entry in ClinVar:

ClinVar aggregate classification (germline): Uncertain significance (1 of 4 stars; one submission).

Conditions:
COG7 congenital disorder of glycosylation (CDG2E). Also called: CONGENITAL DISORDER OF GLYCOSYLATION, TYPE IIe; CDG IIe. Identifiers: Orphanet 79333, MedGen C2931010, MONDO:0012118, OMIM 608779.

Allele frequency attached by ClinVar (database versions not stated): gnomAD exomes below 0.00001.
gnomAD v4.1: 2 of 1,614,062 alleles (0.00012%); highest among the groups gnomAD compares: Non-Finnish European, 0.000085%; no homozygotes.

Submission:

Labcorp Genetics (formerly Invitae), Labcorp
Classification: Uncertain significance for COG7 congenital disorder of glycosylation. Last evaluated: 2023-10-03. Review status: criteria provided, single submitter. Criteria: Invitae Variant Classification Sherloc (09022015). Collection method: clinical testing. Allele origin: germline.
Comment: This sequence change replaces glycine, which is neutral and non-polar, with glutamic acid, which is acidic and polar, at codon 483 of the COG7 protein (p.Gly483Glu). This variant is not present in population databases (gnomAD no frequency). This variant has not been reported in the literature in individuals affected with COG7-related conditions. ClinVar contains an entry for this variant (Variation ID: 2421513). Advanced modeling of protein sequence and biophysical properties (such as structural, functional, and spatial information, amino acid conservation, physicochemical variation, residue mobility, and thermodynamic stability) performed at Invitae indicates that this missense variant is not expected to disrupt COG7 protein function. In summary, the available evidence is currently insufficient to determine the role of this variant in disease. Therefore, it has been classified as a Variant of Uncertain Significance.

NM_153603.4(COG7):c.1448G>A (p.Gly483Glu)

Gene: COG7 (component of oligomeric golgi complex 7; minus strand). Cytogenetic location: 16p12.2.
Variant type: single nucleotide variant.
Coding change: c.1448G>A on transcript NM_153603.4 (MANE Select); coding-DNA position 1448, G replaced by A.
Protein change: p.Gly483Glu; replaces glycine 483 with glutamic acid.
Molecular consequence: missense variant.
Genome position (GRCh38, 1-based): chr16:23,410,322, C>T on the plus strand (G>A on the coding strand, the complement: COG7 is on the minus strand). VCF-style: chr16-23410322-C-T. GRCh37 (hg19) VCF-style: chr16-23421643-C-T.
Other names: short protein forms G483E.
Identifiers: ClinVar variation 2421513 (VCV002421513.6), dbSNP rs1000981366, ClinGen allele CA279516178.